The following is an entry in ClinVar:

ClinVar aggregate classification (germline): Likely benign. Review status: criteria provided, multiple submitters, no conflicts (2 of 4 stars). 3 submissions from 3 submitters: Likely benign (3). Last evaluated 2024-05-17.

Conditions:
Familial thoracic aortic aneurysm and aortic dissection (TAAD). Also called: Thoracic aortic aneurysms and dissections. Identifiers: Orphanet 91387, MedGen C4707243, MONDO:0019625.
Loeys-Dietz syndrome (LDS). Identifiers: Orphanet 60030, MedGen C2697932, MONDO:0018954.

Allele frequency attached by ClinVar (database versions not stated): gnomAD exomes below 0.00001; gnomAD 0.00001; TOPMed 0.00001.
gnomAD v4.1: 2 of 1,613,868 alleles (0.00012%); highest among the groups gnomAD compares: Non-Finnish European, 0.00017%; no homozygotes.

Submissions (3):

Ambry Genetics
Classification: Likely benign for Familial thoracic aortic aneurysm and aortic dissection. Last evaluated: 2024-05-17. Review status: criteria provided, single submitter. Criteria: Ambry Variant Classification Scheme 2023. Collection method: clinical testing. Allele origin: germline.

All of Us Research Program, National Institutes of Health
Classification: Likely benign for Loeys-Dietz syndrome. Last evaluated: 2023-03-09. Review status: criteria provided, single submitter. Criteria: ACMG Guidelines, 2015. Collection method: clinical testing. Allele origin: germline. Inheritance: Autosomal dominant inheritance. Observed: 1 variant allele, 1 heterozygote.
Comment: This study involves interpretation of variants in research participants for the purpose of population health screening. Participant phenotype was not available at the time of variant classification. Additional details can be found in publication PMID: 35346344, PMCID: PMC8962531

Labcorp Genetics (formerly Invitae), Labcorp
Classification: Likely benign for Familial thoracic aortic aneurysm and aortic dissection. Last evaluated: 2016-11-03. Review status: criteria provided, single submitter. Criteria: Invitae Variant Classification Sherloc (09022015). Collection method: clinical testing. Allele origin: germline.

NM_004612.4(TGFBR1):c.1104T>G (p.Ala368=)

Gene: TGFBR1 (transforming growth factor beta receptor 1; plus strand). Cytogenetic location: 9q22.33.
Variant type: single nucleotide variant.
Coding change: c.1104T>G on transcript NM_004612.4 (MANE Select); coding-DNA position 1104, T replaced by G.
Protein change: p.Ala368=; no amino-acid change (alanine 368 retained).
Molecular consequence: synonymous variant.
Genome position (GRCh38, 1-based): chr9:99,144,862, T>G. VCF-style: chr9-99144862-T-G. GRCh37 (hg19) VCF-style: chr9-101907144-T-G.
Other names: c.873T>G, p.Ala291= (NM_001130916.3); c.1116T>G, p.Ala372= (NM_001306210.2).
Identifiers: ClinVar variation 415027 (VCV000415027.11), dbSNP rs1060504426, ClinGen allele CA16612969.
Genomic context (GRCh38, chr9:99,144,862, plus strand): 5'-TATTGCAGACTTAGGACTGGCAGTAAGACATGATTCAGCCACAGATACCATTGATATTGC[T>G]CCAAACCACAGAGTGGGAACAAAAAGGTATACTTTTGAACAACTATATTTAATATCTTCT-3'
Protein context (NP_004603.1, residues 358-378): HDSATDTIDI[Ala368=]PNHRVGTKRY